The following is an entry in ClinVar:

ClinVar aggregate classification (germline): Uncertain significance (1 of 4 stars; one submission).

Conditions:
Autoimmune interstitial lung disease-arthritis syndrome. Also called: Autoinflammation and autoimmunity, systemic, with immune dysregulation. Identifiers: Orphanet 444092, MedGen C5975714, MONDO:0014629.

Submission:

Labcorp Genetics (formerly Invitae), Labcorp
Classification: Uncertain significance for Autoimmune interstitial lung disease-arthritis syndrome. Last evaluated: 2020-08-06. Review status: criteria provided, single submitter. Criteria: Invitae Variant Classification Sherloc (09022015). Collection method: clinical testing. Allele origin: germline.
Comment: In summary, the available evidence is currently insufficient to determine the role of this variant in disease. Therefore, it has been classified as a Variant of Uncertain Significance. Algorithms developed to predict the effect of missense changes on protein structure and function are either unavailable or do not agree on the potential impact of this missense change (SIFT: "Tolerated"; PolyPhen-2: "Possibly Damaging"; Align-GVGD: "Class C0"). This variant has not been reported in the literature in individuals with COPA-related conditions. This variant is not present in population databases (ExAC no frequency). This sequence change replaces threonine with asparagine at codon 544 of the COPA protein (p.Thr544Asn). The threonine residue is highly conserved and there is a small physicochemical difference between threonine and asparagine.

NM_004371.4(COPA):c.1631C>A (p.Thr544Asn)

Gene: COPA (coat protein complex I subunit alpha; minus strand). Cytogenetic location: 1q23.2.
Variant type: single nucleotide variant.
Coding change: c.1631C>A on transcript NM_004371.4 (MANE Select); coding-DNA position 1631, C replaced by A.
Protein change: p.Thr544Asn; replaces threonine 544 with asparagine.
Molecular consequence: missense variant.
Genome position (GRCh38, 1-based): chr1:160,305,469, G>T on the plus strand (C>A on the coding strand, the complement: COPA is on the minus strand). VCF-style: chr1-160305469-G-T. GRCh37 (hg19) VCF-style: chr1-160275259-G-T.
Other names: c.1658C>A, p.Thr553Asn (NM_001098398.2); short protein forms T544N, T553N.
Identifiers: ClinVar variation 1039101 (VCV001039101.8), dbSNP rs1658752272, ClinGen allele CA343253785.